The following is an entry in ClinVar:

NM_000091.5(COL4A3):c.2336del (p.Pro779fs)

Genes: COL4A3 (collagen type IV alpha 3 chain; plus strand), MFF-DT (MFF divergent transcript; minus strand). Cytogenetic location: 2q36.3.
Variant type: Deletion.
Coding change: c.2336del on transcript NM_000091.5 (MANE Select); coding-DNA position 2336, one base deleted (C; older notation c.2336delC).
Protein change: p.Pro779fs; shifts the reading frame from proline 779.
Molecular consequence: frameshift variant.
Genome position (GRCh38, 1-based): chr2:227,280,552, C deleted; the last of 3 consecutive C bases (chr2:227,280,550-227,280,552); deleting any one gives the same sequence. VCF-style (leftmost placement, unchanged base first): chr2-227280549-TC-T. GRCh37 (hg19) VCF-style: chr2-228145265-TC-T.
Other names: short protein forms P779fs.
Identifiers: ClinVar variation 1300388 (VCV001300388.4), dbSNP rs2106152005, ClinGen allele CA2573051884.

ClinVar aggregate classification (germline): Conflicting classifications of pathogenicity. Review status: criteria provided, conflicting classifications (1 of 4 stars). 2 submissions from 2 submitters: Pathogenic (1); Uncertain significance (1). Last evaluated 2024-03-29.

Conditions:
Alport syndrome 3b, autosomal recessive. Identifiers: MedGen C5882699, MONDO:0957811, OMIM 620536.

Submissions (2):

Genomic Medicine Center of Excellence, King Faisal Specialist Hospital and Research Centre
Classification: Uncertain significance for Alport syndrome 3b, autosomal recessive. Last evaluated: 2024-03-29. Review status: criteria provided, single submitter. Criteria: ACMG Guidelines, 2015. Collection method: clinical testing. Allele origin: germline.

GeneDx
Classification: Pathogenic. Last evaluated: 2024-02-27. Review status: criteria provided, single submitter. Criteria: GeneDx Variant Classification Process June 2021. Collection method: clinical testing. Allele origin: germline. Affected: yes.
Comment: Frameshift variant predicted to result in protein truncation or nonsense mediated decay in a gene for which loss-of-function is a known mechanism of disease; Not observed in large population cohorts (gnomAD); Has not been previously published as pathogenic or benign to our knowledge